The following is an entry in ClinVar:

ClinVar aggregate classification (germline): Uncertain significance (1 of 4 stars; one submission).

Submission:

Labcorp Genetics (formerly Invitae), Labcorp
Classification: Uncertain significance. Last evaluated: 2025-10-13. Review status: criteria provided, single submitter. Criteria: Invitae Variant Classification Sherloc (09022015). Collection method: clinical testing. Allele origin: germline.
Comment: This sequence change replaces phenylalanine, which is neutral and non-polar, with leucine, which is neutral and non-polar, at codon 897 of the ADNP protein (p.Phe897Leu). This variant is not present in population databases (gnomAD no frequency). This variant has not been reported in the literature in individuals affected with ADNP-related conditions. An algorithm developed to predict the effect of missense changes on protein structure and function (PolyPhen-2) suggests that this variant is likely to be tolerated. In summary, the available evidence is currently insufficient to determine the role of this variant in disease. Therefore, it has been classified as a Variant of Uncertain Significance.

NM_001282531.3(ADNP):c.2689T>C (p.Phe897Leu)

Gene: ADNP (activity dependent neuroprotector homeobox; minus strand). Cytogenetic location: 20q13.13.
Variant type: single nucleotide variant.
Coding change: c.2689T>C on transcript NM_001282531.3 (MANE Select); coding-DNA position 2689, T replaced by C.
Protein change: p.Phe897Leu; replaces phenylalanine 897 with leucine.
Molecular consequence: missense variant.
Genome position (GRCh38, 1-based): chr20:50,892,025, A>G on the plus strand (T>C on the coding strand, the complement: ADNP is on the minus strand). VCF-style: chr20-50892025-A-G. GRCh37 (hg19) VCF-style: chr20-49508562-A-G.
Other names: c.2689T>C, p.Phe897Leu (NM_001282532.2, NM_001347511.2, NM_015339.5 and 1 more transcripts); c.2905T>C, p.Phe969Leu (NM_001439000.1); c.2005T>C, p.Phe669Leu (NM_001439001.1); short protein forms F669L, F897L, F969L.
Identifiers: ClinVar variation 4774111 (VCV004774111.1).
Genomic context (GRCh38, chr20:50,892,025, plus strand): 5'-GAATTACCTTCAGTACATGTTCCTCTGGGTTATCGTTAGAGATTTTAGGTTCAACTTCAA[A>G]AACAGGGTCAAAAGGGCTACCACTTTCATTGGATTCTTCTTCCAAATTTTCAAAACTGTC-3'
Protein context (NP_001269460.1, residues 887-907): NESGSPFDPV[Phe897Leu]EVEPKISNDN